The following is an entry in ClinVar:

NM_001330691.3(CEP78):c.473G>T (p.Cys158Phe)

Gene: CEP78 (centrosomal protein 78; plus strand). Cytogenetic location: 9q21.2.
Variant type: single nucleotide variant.
Coding change: c.473G>T on transcript NM_001330691.3 (MANE Select); coding-DNA position 473, G replaced by T.
Protein change: p.Cys158Phe; replaces cysteine 158 with phenylalanine.
Molecular consequence: missense variant.
Genome position (GRCh38, 1-based): chr9:78,240,338, G>T. VCF-style: chr9-78240338-G-T. GRCh37 (hg19) VCF-style: chr9-80855254-G-T.
Other names: c.473G>T, p.Cys158Phe (NM_001098802.3, NM_001330693.3, NM_001330694.2 and 4 more transcripts); short protein forms C158F.
Identifiers: ClinVar variation 1058404 (VCV001058404.11), dbSNP rs754595005, ClinGen allele CA5094924.

ClinVar aggregate classification (germline): Pathogenic/Likely pathogenic. Review status: criteria provided, multiple submitters, no conflicts (2 of 4 stars). 3 submissions from 3 submitters: Pathogenic (1); Likely pathogenic (2). Last evaluated 2026-06-25.

Conditions:
CEP78-related disorder. Also called: CEP78-related condition.
Cone-rod dystrophy and hearing loss 1 (CRDHL1). Identifiers: MedGen C5193018, MONDO:0020778, OMIM 617236.

Allele frequency attached by ClinVar (database versions not stated): TOPMed 0.00003.
gnomAD v4.1: 8 of 1,591,356 alleles (0.0005%); highest among the groups gnomAD compares: Admixed American, 0.012%; no homozygotes.

Submissions (3):

3billion
Classification: Likely pathogenic for Cone-rod dystrophy and hearing loss 1. Last evaluated: 2026-06-25. Review status: criteria provided, single submitter. Criteria: ACMG Guidelines, 2015. Collection method: clinical testing. Allele origin: germline. Inheritance: Autosomal recessive inheritance. Affected: yes.
Comment: The variant is observed at an extremely low frequency in the gnomAD v4.1.0 dataset (total allele frequency: <0.001%). Predicted Consequence/Location: Missense variant. Damaging effect on gene or gene product predicted by in silico programs is uncertain [REVEL: 0.573 (damaging >=0.644, benign <0.29), 3Cnet: 0.170 (damaging >=0.75, benign <0.1)]. The same nucleotide change resulting in the same amino acid change has been previously reported to be associated with CEP78-related disorder (ClinVar ID: VCV001058404.8 / PMID: 38347443 / 3billion dataset). Therefore, this variant is classified as Likely pathogenic (PS1_P, PS4_S, PM2_P) according to the recommendation of ACMG/AMP guideline.

Labcorp Genetics (formerly Invitae), Labcorp
Classification: Likely pathogenic. Last evaluated: 2024-10-03. Review status: criteria provided, single submitter. Criteria: Invitae Variant Classification Sherloc (09022015). Collection method: clinical testing. Allele origin: germline.
Comment: This sequence change replaces cysteine, which is neutral and slightly polar, with phenylalanine, which is neutral and non-polar, at codon 158 of the CEP78 protein (p.Cys158Phe). This variant is present in population databases (rs754595005, gnomAD 0.02%). This missense change has been observed in individual(s) with clinical features of CEP78-related conditions (internal data). In at least one individual the data is consistent with being in trans (on the opposite chromosome) from a pathogenic variant. ClinVar contains an entry for this variant (Variation ID: 1058404). Invitae Evidence Modeling of protein sequence and biophysical properties (such as structural, functional, and spatial information, amino acid conservation, physicochemical variation, residue mobility, and thermodynamic stability) indicates that this missense variant is expected to disrupt CEP78 protein function with a positive predictive value of 80%. In summary, the currently available evidence indicates that the variant is pathogenic, but additional data are needed to prove that conclusively. Therefore, this variant has been classified as Likely Pathogenic.

Blueprint Genetics
Classification: Pathogenic for CEP78-related disorders. Last evaluated: 2022-04-04. Review status: criteria provided, single submitter. Criteria: ACMG Guidelines, 2015. Collection method: clinical testing. Allele origin: germline. Affected: yes. Observed: 4 variant alleles.

Literature cited by the submitters: PubMed 38347443 (cited by 3billion).